The following is an entry in ClinVar:

ClinVar aggregate classification (germline): Uncertain significance. Review status: criteria provided, multiple submitters, no conflicts (2 of 4 stars). 2 submissions from 2 submitters: Uncertain significance (2). Last evaluated 2025-12-17.

Conditions:
Hereditary cancer-predisposing syndrome. Also called: Neoplastic Syndromes, Hereditary; Hereditary Cancer Syndrome; Tumor predisposition; Hereditary neoplastic syndrome. Identifiers: Orphanet 140162, MedGen C0027672, MeSH D009386, MONDO:0015356.

Allele frequency attached by ClinVar (database versions not stated): TOPMed 0.00001; ExAC 0.00002.

Submissions (2):

Labcorp Genetics (formerly Invitae), Labcorp
Classification: Uncertain significance. Last evaluated: 2025-12-17. Review status: criteria provided, single submitter. Criteria: Invitae Variant Classification Sherloc (09022015). Collection method: clinical testing. Allele origin: germline.
Comment: This sequence change replaces threonine, which is neutral and polar, with methionine, which is neutral and non-polar, at codon 115 of the HOXB13 protein (p.Thr115Met). This variant is present in population databases (rs764401781, gnomAD 0.003%). This variant has not been reported in the literature in individuals affected with HOXB13-related conditions. ClinVar contains an entry for this variant (Variation ID: 1376098). Invitae Evidence Modeling of protein sequence and biophysical properties (such as structural, functional, and spatial information, amino acid conservation, physicochemical variation, residue mobility, and thermodynamic stability) indicates that this missense variant is not expected to disrupt HOXB13 protein function with a negative predictive value of 80%. In summary, the available evidence is currently insufficient to determine the role of this variant in disease. Therefore, it has been classified as a Variant of Uncertain Significance.

Ambry Genetics
Classification: Uncertain significance for Hereditary cancer-predisposing syndrome. Last evaluated: 2025-03-29. Review status: criteria provided, single submitter. Criteria: Ambry Variant Classification Scheme 2023. Collection method: clinical testing. Allele origin: germline.
Comment: The p.T115M variant (also known as c.344C>T), located in coding exon 1 of the HOXB13 gene, results from a C to T substitution at nucleotide position 344. The threonine at codon 115 is replaced by methionine, an amino acid with similar properties. This amino acid position is poorly conserved in available vertebrate species. In addition, this alteration is predicted to be tolerated by in silico analysis. Since supporting evidence is limited at this time, the clinical significance of this alteration remains unclear.

NM_006361.6(HOXB13):c.344C>T (p.Thr115Met)

Gene: HOXB13 (homeobox B13; minus strand). Cytogenetic location: 17q21.32.
Variant type: single nucleotide variant.
Coding change: c.344C>T on transcript NM_006361.6 (MANE Select); coding-DNA position 344, C replaced by T.
Protein change: p.Thr115Met; replaces threonine 115 with methionine.
Molecular consequence: missense variant.
Genome position (GRCh38, 1-based): chr17:48,728,250, G>A on the plus strand (C>T on the coding strand, the complement: HOXB13 is on the minus strand). VCF-style: chr17-48728250-G-A. GRCh37 (hg19) VCF-style: chr17-46805612-G-A.
Other names: short protein forms T115M.
Identifiers: ClinVar variation 1376098 (VCV001376098.11), dbSNP rs764401781, ClinGen allele CA8634005.
Genomic context (GRCh38, chr17:48,728,250, plus strand): 5'-CCCGGATATCCCGGATAGAAGGCAAACTCAGTGGGGCGGCTGGGGTACTCTTCCCCGGCC[G>A]TGGGAGTCTCCGCGGGGTACGCGGCCAGGGTGGCTGCCTGGGCACAGGGTTTCAGCGAGC-3'
Protein context (NP_006352.2, residues 105-125): TLAAYPAETP[Thr115Met]AGEEYPSRPT